The following is an entry in ClinVar:

ClinVar aggregate classification (germline): Uncertain significance (1 of 4 stars; one submission).

Conditions:
Autosomal dominant Parkinson disease 8. Also called: Parkinson disease 8, susceptibility to; LRRK2-Related Parkinson Disease; Parkinson disease 8. Identifiers: Orphanet 411602, MedGen C1846862, MONDO:0011764, OMIM 607060.

Submission:

Centre for Mendelian Genomics, University Medical Centre Ljubljana
Classification: Uncertain significance for Autosomal dominant Parkinson disease 8. Last evaluated: 2019-08-12. Review status: criteria provided, single submitter. Criteria: ACMG Guidelines, 2015. Collection method: clinical testing. Allele origin: unknown. Affected: yes.
Comment: This variant was classified as: Uncertain significance. The available evidence on this variant's pathogenicity is insufficient or conflicting. The following ACMG criteria were applied in classifying this variant: PM2,BP4.

NM_198578.4(LRRK2):c.6448G>C (p.Val2150Leu)

Gene: LRRK2 (leucine rich repeat kinase 2; plus strand). Cytogenetic location: 12q12.
Variant type: single nucleotide variant.
Coding change: c.6448G>C on transcript NM_198578.4 (MANE Select); coding-DNA position 6448, G replaced by C.
Protein change: p.Val2150Leu; replaces valine 2150 with leucine.
Molecular consequence: missense variant.
Genome position (GRCh38, 1-based): chr12:40,351,605, G>C. VCF-style: chr12-40351605-G-C. GRCh37 (hg19) VCF-style: chr12-40745407-G-C.
Other names: short protein forms V2150L.
Identifiers: ClinVar variation 931534 (VCV000931534.3), dbSNP rs755564073, ClinGen allele CA384406720.